The following is an entry in ClinVar:

NM_005458.8(GABBR2):c.25C>G (p.Gln9Glu)

Gene: GABBR2 (gamma-aminobutyric acid type B receptor subunit 2; minus strand). Cytogenetic location: 9q22.33.
Variant type: single nucleotide variant.
Coding change: c.25C>G on transcript NM_005458.8 (MANE Select); coding-DNA position 25, C replaced by G.
Protein change: p.Gln9Glu; replaces glutamine 9 with glutamic acid.
Molecular consequence: missense variant.
Genome position (GRCh38, 1-based): chr9:98,708,713, G>C on the plus strand (C>G on the coding strand, the complement: GABBR2 is on the minus strand). VCF-style: chr9-98708713-G-C. GRCh37 (hg19) VCF-style: chr9-101470995-G-C.
Other names: short protein forms Q9E.
Identifiers: ClinVar variation 1206443 (VCV001206443.14), dbSNP rs1026022583, ClinGen allele CA196789635.

ClinVar aggregate classification (germline): Conflicting classifications of pathogenicity. Review status: criteria provided, conflicting classifications (1 of 4 stars). 3 submissions from 3 submitters: Uncertain significance (2); Likely benign (1). Last evaluated 2024-06-22.

Conditions:
Epileptic encephalopathy. Identifiers: MedGen C0543888, HP:0200134.

Allele frequency attached by ClinVar (database versions not stated): gnomAD exomes 0.00001; TOPMed 0.00002.
gnomAD v4.1: 12 of 996,792 alleles (0.0012%); highest among the groups gnomAD compares: Non-Finnish European, 0.0013%; no homozygotes.

Submissions (3):

Labcorp Genetics (formerly Invitae), Labcorp
Classification: Uncertain significance for Epileptic encephalopathy. Last evaluated: 2024-06-22. Review status: criteria provided, single submitter. Criteria: Invitae Variant Classification Sherloc (09022015). Collection method: clinical testing. Allele origin: germline.
Comment: This sequence change replaces glutamine, which is neutral and polar, with glutamic acid, which is acidic and polar, at codon 9 of the GABBR2 protein (p.Gln9Glu). The frequency data for this variant in the population databases is considered unreliable, as metrics indicate insufficient coverage at this position in the gnomAD database. This variant has not been reported in the literature in individuals affected with GABBR2-related conditions. ClinVar contains an entry for this variant (Variation ID: 1206443). Experimental studies and prediction algorithms are not available or were not evaluated, and the functional significance of this variant is currently unknown. In summary, the available evidence is currently insufficient to determine the role of this variant in disease. Therefore, it has been classified as a Variant of Uncertain Significance.

Revvity Omics, Revvity
Classification: Uncertain significance. Last evaluated: 2021-09-29. Review status: criteria provided, single submitter. Criteria: ACMG Guidelines, 2015. Collection method: clinical testing. Allele origin: germline.

GeneDx
Classification: Likely benign. Last evaluated: 2020-12-09. Review status: criteria provided, single submitter. Criteria: GeneDx Variant Classification Process June 2021. Collection method: clinical testing. Allele origin: germline. Affected: yes.
Comment: Not observed in large population cohorts (Lek et al., 2016); In silico analysis, which includes protein predictors and evolutionary conservation, supports that this variant does not alter protein structure/function; Has not been previously published as pathogenic or benign to our knowledge